The following is an entry in ClinVar:

ClinVar aggregate classification (germline): Uncertain significance (1 of 4 stars; one submission).

Conditions:
T-cell immunodeficiency, congenital alopecia, and nail dystrophy. Also called: Congenital alopecia and nail dystrophy associated with severe functional T-cell immunodeficiency; Pignata Guarino syndrome. Identifiers: Orphanet 169095, MedGen C1866426, MONDO:0011132, OMIM 601705.

Submission:

Labcorp Genetics (formerly Invitae), Labcorp
Classification: Uncertain significance for T-cell immunodeficiency, congenital alopecia, and nail dystrophy. Last evaluated: 2019-12-22. Review status: criteria provided, single submitter. Criteria: Invitae Variant Classification Sherloc (09022015). Collection method: clinical testing. Allele origin: germline.
Comment: In summary, the available evidence is currently insufficient to determine the role of this variant in disease. Therefore, it has been classified as a Variant of Uncertain Significance. Algorithms developed to predict the effect of missense changes on protein structure and function are either unavailable or do not agree on the potential impact of this missense change (SIFT: "Tolerated"; PolyPhen-2: "Probably Damaging"; Align-GVGD: "Class C0"). This variant has not been reported in the literature in individuals with FOXN1-related conditions. This variant is not present in population databases (ExAC no frequency). This sequence change replaces aspartic acid with asparagine at codon 538 of the FOXN1 protein (p.Asp538Asn). The aspartic acid residue is moderately conserved and there is a small physicochemical difference between aspartic acid and asparagine.

NM_001369369.1(FOXN1):c.1612G>A (p.Asp538Asn)

Gene: FOXN1 (forkhead box N1; plus strand). Cytogenetic location: 17q11.2.
Variant type: single nucleotide variant.
Coding change: c.1612G>A on transcript NM_001369369.1 (MANE Select); coding-DNA position 1612, G replaced by A.
Protein change: p.Asp538Asn; replaces aspartic acid 538 with asparagine.
Molecular consequence: missense variant.
Genome position (GRCh38, 1-based): chr17:28,535,183, G>A. VCF-style: chr17-28535183-G-A. GRCh37 (hg19) VCF-style: chr17-26862201-G-A.
Other names: c.1612G>A, p.Asp538Asn (NM_003593.3); short protein forms D538N.
Identifiers: ClinVar variation 861366 (VCV000861366.9), dbSNP rs2070031279, ClinGen allele CA398326853.
Genomic context (GRCh38, chr17:28,535,183, plus strand): 5'-ACCCTGCTGCCAGATGGAGACCTTGGCACTGACCTGGATGCCATCAATCCCTCACTCACT[G>A]ACTTCGACTTCCAGGGTGAGCTGGGGGTGGGAAAGGGAAGGTGGGACAGGACTGGAGAGG-3'
Protein context (NP_001356298.1, residues 528-548): DLDAINPSLT[Asp538Asn]FDFQGNLWEQ